The following is an entry in ClinVar:

ClinVar aggregate classification (germline): Uncertain significance (1 of 4 stars; one submission).

Conditions:
Hereditary cancer-predisposing syndrome. Also called: Tumor predisposition; Neoplastic Syndromes, Hereditary; Hereditary Cancer Syndrome; Hereditary neoplastic syndrome. Identifiers: Orphanet 140162, MedGen C0027672, MeSH D009386, MONDO:0015356.

Submission:

Ambry Genetics
Classification: Uncertain significance for Hereditary cancer-predisposing syndrome. Last evaluated: 2024-07-24. Review status: criteria provided, single submitter. Criteria: Ambry Variant Classification Scheme 2023. Collection method: clinical testing. Allele origin: germline.
Comment: The p.V524E variant (also known as c.1571T>A), located in coding exon 11 of the FLCN gene, results from a T to A substitution at nucleotide position 1571. The valine at codon 524 is replaced by glutamic acid, an amino acid with dissimilar properties. This amino acid position is conserved. In addition, this alteration is predicted to be deleterious by in silico analysis. Based on the available evidence, the clinical significance of this variant remains unclear.

NM_144997.7(FLCN):c.1571T>A (p.Val524Glu)

Gene: FLCN (folliculin; minus strand). Cytogenetic location: 17p11.2.
Variant type: single nucleotide variant.
Coding change: c.1571T>A on transcript NM_144997.7 (MANE Select); coding-DNA position 1571, T replaced by A.
Protein change: p.Val524Glu; replaces valine 524 with glutamic acid.
Molecular consequence: missense variant.
Genome position (GRCh38, 1-based): chr17:17,213,824, A>T on the plus strand (T>A on the coding strand, the complement: FLCN is on the minus strand). VCF-style: chr17-17213824-A-T. GRCh37 (hg19) VCF-style: chr17-17117138-A-T.
Other names: c.1625T>A, p.Val542Glu (NM_001353229.2); c.1571T>A, p.Val524Glu (NM_001353230.2, NM_001353231.2); short protein forms V542E, V524E.
Identifiers: ClinVar variation 3515629 (VCV003515629.1).